The following is an entry in ClinVar:

ClinVar aggregate classification (germline): Uncertain significance. Review status: criteria provided, multiple submitters, no conflicts (2 of 4 stars). 3 submissions from 3 submitters: Uncertain significance (3). Last evaluated 2026-08-04.

Conditions:
Familial cancer of breast. Also called: Hereditary breast cancer; hereditary breast carcinoma; BREAST CANCER, FAMILIAL. Identifiers: Orphanet 227535, MedGen C0346153, MONDO:0016419, OMIM 114480. Disease mechanism: loss of function.
Hereditary cancer-predisposing syndrome. Also called: Neoplastic Syndromes, Hereditary; Tumor predisposition; Hereditary Cancer Syndrome; Hereditary neoplastic syndrome. Identifiers: Orphanet 140162, MedGen C0027672, MeSH D009386, MONDO:0015356.
Ataxia-telangiectasia syndrome (AT). Also called: Ataxia telangiectasia (A-T); ATAXIA-TELANGIECTASIA, COMPLEMENTATION GROUP A; ATAXIA-TELANGIECTASIA, FRESNO VARIANT; Ataxia-telangiectasia; Ataxia-telangiectasia, complementation group E; LOUIS-BAR SYNDROME. Identifiers: Orphanet 100, MedGen C0004135, MONDO:0008840, OMIM 208900.

Allele frequency attached by ClinVar (database versions not stated): gnomAD exomes below 0.00001.
gnomAD v4.1: 1 of 1,614,040 alleles (0.000062%); highest among the groups gnomAD compares: Non-Finnish European, 0.000085%; no homozygotes.

Submissions (3):

Ambry Genetics
Classification: Uncertain significance for Hereditary cancer-predisposing syndrome. Last evaluated: 2026-08-04. Review status: criteria provided, single submitter. Criteria: Ambry Variant Classification Scheme 2023. Collection method: clinical testing. Allele origin: germline.
Comment: The p.V2716I variant (also known as c.8146G>A), located in coding exon 54 of the ATM gene, results from a G to A substitution at nucleotide position 8146. The valine at codon 2716 is replaced by isoleucine, an amino acid with highly similar properties. In an assay testing ATM function, this variant showed a functionally normal result (Lee KS et al. Cell, 2025 Sep;188:5081-5099.e27). This amino acid position is highly conserved in available vertebrate species. In addition, the in silico prediction for this alteration is inconclusive. Based on the available evidence, the clinical significance of this variant remains unclear.

Baylor Genetics
Classification: Uncertain significance for Familial cancer of breast. Last evaluated: 2023-10-03. Review status: criteria provided, single submitter. Criteria: ACMG Guidelines, 2015. Collection method: clinical testing. Allele origin: unknown.

Labcorp Genetics (formerly Invitae), Labcorp
Classification: Uncertain significance for Ataxia-telangiectasia syndrome. Last evaluated: 2023-01-20. Review status: criteria provided, single submitter. Criteria: Invitae Variant Classification Sherloc (09022015). Collection method: clinical testing. Allele origin: germline.
Comment: In summary, the available evidence is currently insufficient to determine the role of this variant in disease. Therefore, it has been classified as a Variant of Uncertain Significance. This variant disrupts the p.Val2716 amino acid residue in ATM. Other variant(s) that disrupt this residue have been determined to be pathogenic (PMID: 2557216, 11805335, 16864838, 19535770, 21354641, 21965147, 25957637, 26976419). This suggests that this residue is clinically significant, and that variants that disrupt this residue are likely to be disease-causing. Algorithms developed to predict the effect of missense changes on protein structure and function (SIFT, PolyPhen-2, Align-GVGD) all suggest that this variant is likely to be disruptive. ClinVar contains an entry for this variant (Variation ID: 1021997). This variant has not been reported in the literature in individuals affected with ATM-related conditions. This variant is not present in population databases (gnomAD no frequency). This sequence change replaces valine, which is neutral and non-polar, with isoleucine, which is neutral and non-polar, at codon 2716 of the ATM protein (p.Val2716Ile).

Literature cited by the submitters: PubMed 40580951 (cited by Ambry Genetics); PubMed 2557216 (cited by Labcorp Genetics (formerly Invitae), Labcorp); PubMed 11805335 (cited by Labcorp Genetics (formerly Invitae), Labcorp); PubMed 16864838 (cited by Labcorp Genetics (formerly Invitae), Labcorp); PubMed 19535770 (cited by Labcorp Genetics (formerly Invitae), Labcorp); PubMed 21354641 (cited by Labcorp Genetics (formerly Invitae), Labcorp); PubMed 21965147 (cited by Labcorp Genetics (formerly Invitae), Labcorp); PubMed 25957637 (cited by Labcorp Genetics (formerly Invitae), Labcorp); PubMed 26976419 (cited by Labcorp Genetics (formerly Invitae), Labcorp).

NM_000051.4(ATM):c.8146G>A (p.Val2716Ile)

Genes: ATM (ATM serine/threonine kinase; plus strand), C11orf65 (chromosome 11 open reading frame 65; minus strand). Cytogenetic location: 11q22.3.
Variant type: single nucleotide variant.
Coding change: c.8146G>A on transcript NM_000051.4 (MANE Select); coding-DNA position 8146, G replaced by A.
Protein change: p.Val2716Ile; replaces valine 2716 with isoleucine.
Molecular consequence: missense variant. On other transcripts: intron variant (2).
Genome position (GRCh38, 1-based): chr11:108,335,104, G>A. VCF-style: chr11-108335104-G-A. GRCh37 (hg19) VCF-style: chr11-108205831-G-A.
Other names: c.8146G>A, p.Val2716Ile (NM_001351834.2); c.641-26033C>T (NM_001330368.2); c.*38+116C>T (NM_001351110.2); short protein forms V2716I.
Identifiers: ClinVar variation 1021997 (VCV001021997.49), dbSNP rs730881385, ClinGen allele CA382562253.